The following is an entry in ClinVar:

NM_014141.6(CNTNAP2):c.946T>C (p.Phe316Leu)

Gene: CNTNAP2 (contactin associated protein 2; plus strand). Cytogenetic location: 7q35.
Variant type: single nucleotide variant.
Coding change: c.946T>C on transcript NM_014141.6 (MANE Select); coding-DNA position 946, T replaced by C.
Protein change: p.Phe316Leu; replaces phenylalanine 316 with leucine.
Molecular consequence: missense variant.
Genome position (GRCh38, 1-based): chr7:147,128,699, T>C. VCF-style: chr7-147128699-T-C. GRCh37 (hg19) VCF-style: chr7-146825791-T-C.
Other names: short protein forms F316L.
Identifiers: ClinVar variation 864786 (VCV000864786.10), dbSNP rs1801287321, ClinGen allele CA369924133.

ClinVar aggregate classification (germline): Uncertain significance (1 of 4 stars; one submission).

Conditions:
Cortical dysplasia-focal epilepsy syndrome (PTHSL1). Also called: Pitt-Hopkins-like syndrome 1. Identifiers: Orphanet 163681, Orphanet 221150, MedGen C2750246, MONDO:0012400, OMIM 610042.

Submission:

Labcorp Genetics (formerly Invitae), Labcorp
Classification: Uncertain significance for Cortical dysplasia-focal epilepsy syndrome. Last evaluated: 2024-02-17. Review status: criteria provided, single submitter. Criteria: Invitae Variant Classification Sherloc (09022015). Collection method: clinical testing. Allele origin: germline.
Comment: This sequence change replaces phenylalanine, which is neutral and non-polar, with leucine, which is neutral and non-polar, at codon 316 of the CNTNAP2 protein (p.Phe316Leu). This variant is not present in population databases (gnomAD no frequency). This variant has not been reported in the literature in individuals affected with CNTNAP2-related conditions. ClinVar contains an entry for this variant (Variation ID: 864786). An algorithm developed to predict the effect of missense changes on protein structure and function (PolyPhen-2) suggests that this variant is likely to be disruptive. In summary, the available evidence is currently insufficient to determine the role of this variant in disease. Therefore, it has been classified as a Variant of Uncertain Significance.